The following is an entry in ClinVar:

ClinVar aggregate classification (germline): Likely benign (1 of 4 stars; one submission).

Conditions:
Catecholaminergic polymorphic ventricular tachycardia (CVPT). Also called: Catecholamine-induced polymorphic ventricular tachycardia. Identifiers: Orphanet 3286, MedGen C5574922, MONDO:0017990.

Submission:

All of Us Research Program, National Institutes of Health
Classification: Likely benign for Catecholaminergic polymorphic ventricular tachycardia. Last evaluated: 2024-03-24. Review status: criteria provided, single submitter. Criteria: ACMG Guidelines, 2015. Collection method: clinical testing. Allele origin: germline. Inheritance: Autosomal dominant inheritance. Observed: 1 variant allele, 1 heterozygote.
Comment: This study involves interpretation of variants in research participants for the purpose of population health screening. Participant phenotype was not available at the time of variant classification. Additional details can be found in publication PMID: 35346344, PMCID: PMC8962531

NM_001035.3(RYR2):c.3720C>A (p.Ala1240=)

Gene: RYR2 (ryanodine receptor 2; plus strand). Cytogenetic location: 1q43.
Variant type: single nucleotide variant.
Coding change: c.3720C>A on transcript NM_001035.3 (MANE Select); coding-DNA position 3720, C replaced by A.
Protein change: p.Ala1240=; no amino-acid change (alanine 1240 retained).
Molecular consequence: synonymous variant.
Genome position (GRCh38, 1-based): chr1:237,589,914, C>A. VCF-style: chr1-237589914-C-A. GRCh37 (hg19) VCF-style: chr1-237753214-C-A.
Identifiers: ClinVar variation 3385715 (VCV003385715.1).